The following is an entry in ClinVar:

ClinVar aggregate classification (germline): Likely benign. Review status: reviewed by expert panel (3 of 4 stars). 3 submissions from 3 submitters: Likely benign (1). 2 of the submissions do not count toward it. Last evaluated 2017-06-29.

Conditions:
Hereditary cancer-predisposing syndrome. Also called: Tumor predisposition; Hereditary Cancer Syndrome; Neoplastic Syndromes, Hereditary; Hereditary neoplastic syndrome. Identifiers: Orphanet 140162, MedGen C0027672, MeSH D009386, MONDO:0015356.
Hereditary breast ovarian cancer syndrome. Also called: Hereditary breast and/or ovarian cancer syndrome; BRCA1- and BRCA2-Associated Hereditary Breast and Ovarian Cancer; Hereditary breast and ovarian cancer; Hereditary breast and ovarian cancer syndrome (HBOC); Breast and ovarian cancer; Hereditary breast and ovarian cancer syndrome. Identifiers: Orphanet 145, MedGen C0677776, MeSH D061325, MONDO:0003582. Disease mechanism: loss of function.
Breast-ovarian cancer, familial, susceptibility to, 2 (BROVCA2). Also called: BRCA2 Hereditary Breast and Ovarian Cancer. Identifiers: Orphanet 145, MedGen C2675520, MONDO:0012933, OMIM 612555. Disease mechanism: loss of function.

Submissions (3):

Evidence-based Network for the Interpretation of Germline Mutant Alleles (ENIGMA)
Classification: Likely benign for Breast-ovarian cancer, familial, susceptibility to, 2. Last evaluated: 2017-06-29. Review status: reviewed by expert panel. Criteria: ENIGMA BRCA1/2 Classification Criteria (2017-06-29). Collection method: curation. Allele origin: germline.
Comment: Synonymous substitution variant, with low bioinformatic likelihood to result in a splicing aberration (Splicing prior probability 0.02).

Labcorp Genetics (formerly Invitae), Labcorp
Classification: Likely benign for Hereditary breast ovarian cancer syndrome. Last evaluated: 2023-09-12. Review status: criteria provided, single submitter. Criteria: Invitae Variant Classification Sherloc (09022015). Collection method: clinical testing. Allele origin: germline. Not counted in ClinVar's aggregate classification.

Ambry Genetics
Classification: Likely benign for Hereditary cancer-predisposing syndrome. Last evaluated: 2022-12-14. Review status: criteria provided, single submitter. Criteria: Ambry Variant Classification Scheme 2023. Collection method: clinical testing. Allele origin: germline. Not counted in ClinVar's aggregate classification.

NM_000059.4(BRCA2):c.8517C>T (p.Tyr2839=)

Gene: BRCA2 (BRCA2 DNA repair associated; plus strand). Cytogenetic location: 13q13.1.
Variant type: single nucleotide variant.
Coding change: c.8517C>T on transcript NM_000059.4 (MANE Select); coding-DNA position 8517, C replaced by T.
Protein change: p.Tyr2839=; no amino-acid change (tyrosine 2839 retained).
Molecular consequence: synonymous variant.
Genome position (GRCh38, 1-based): chr13:32,370,985, C>T. VCF-style: chr13-32370985-C-T. GRCh37 (hg19) VCF-style: chr13-32945122-C-T.
Identifiers: ClinVar variation 215622 (VCV000215622.13), dbSNP rs863224315, ClinGen allele CA337412.